The following is an entry in ClinVar:

NM_000051.4(ATM):c.3793T>G (p.Phe1265Val)

Gene: ATM (ATM serine/threonine kinase; plus strand). Cytogenetic location: 11q22.3.
Variant type: single nucleotide variant.
Coding change: c.3793T>G on transcript NM_000051.4 (MANE Select); coding-DNA position 3793, T replaced by G.
Protein change: p.Phe1265Val; replaces phenylalanine 1265 with valine.
Molecular consequence: missense variant.
Genome position (GRCh38, 1-based): chr11:108,284,273, T>G. VCF-style: chr11-108284273-T-G. GRCh37 (hg19) VCF-style: chr11-108155000-T-G.
Other names: c.3793T>G, p.Phe1265Val (NM_001351834.2); short protein forms F1265V.
Identifiers: ClinVar variation 184894 (VCV000184894.13), dbSNP rs371526361, ClinGen allele CA190404.

ClinVar aggregate classification (germline): Uncertain significance. Review status: criteria provided, multiple submitters, no conflicts (2 of 4 stars). 2 submissions from 2 submitters: Uncertain significance (2). Last evaluated 2022-03-27.

Conditions:
Hereditary cancer-predisposing syndrome. Also called: Tumor predisposition; Hereditary Cancer Syndrome; Hereditary neoplastic syndrome; Neoplastic Syndromes, Hereditary. Identifiers: Orphanet 140162, MedGen C0027672, MeSH D009386, MONDO:0015356.
Ataxia-telangiectasia syndrome (AT). Also called: LOUIS-BAR SYNDROME; Cerebello-oculocutaneous telangiectasia; Immunodeficiency with ataxia telangiectasia; ATAXIA-TELANGIECTASIA, COMPLEMENTATION GROUP A; ATAXIA-TELANGIECTASIA, FRESNO VARIANT; Ataxia-telangiectasia. Identifiers: Orphanet 100, MedGen C0004135, MONDO:0008840, OMIM 208900.

gnomAD v4.1: 1 of 1,613,232 alleles (0.000062%); highest among the groups gnomAD compares: Non-Finnish European, 0.000085%; no homozygotes.

Submissions (2):

Labcorp Genetics (formerly Invitae), Labcorp
Classification: Uncertain significance for Ataxia-telangiectasia syndrome. Last evaluated: 2022-03-27. Review status: criteria provided, single submitter. Criteria: Invitae Variant Classification Sherloc (09022015). Collection method: clinical testing. Allele origin: germline.
Comment: In summary, the available evidence is currently insufficient to determine the role of this variant in disease. Therefore, it has been classified as a Variant of Uncertain Significance. Advanced modeling of protein sequence and biophysical properties (such as structural, functional, and spatial information, amino acid conservation, physicochemical variation, residue mobility, and thermodynamic stability) performed at Invitae indicates that this missense variant is not expected to disrupt ATM protein function. ClinVar contains an entry for this variant (Variation ID: 184894). This variant has not been reported in the literature in individuals affected with ATM-related conditions. This variant is not present in population databases (gnomAD no frequency). This sequence change replaces phenylalanine, which is neutral and non-polar, with valine, which is neutral and non-polar, at codon 1265 of the ATM protein (p.Phe1265Val).

Ambry Genetics
Classification: Uncertain significance for Hereditary cancer-predisposing syndrome. Last evaluated: 2014-05-23. Review status: criteria provided, single submitter. Criteria: Ambry Autosomal Dominant and X-Linked criteria (10/2015). Collection method: clinical testing. Allele origin: germline. Observed: 1 variant allele.
Comment: The p.F1265V variant (also known as c.3793T>G), located in coding exon 25 of the ATM gene, results from a T to G substitution at nucleotide position 3793. The phenylalanine at codon 1265 is replaced by valine, an amino acid with highly similar properties. This variant was not reported in population based cohorts in the following databases: Database of Single Nucleotide Polymorphisms (dbSNP), NHLBI Exome Sequencing Project (ESP), and 1000 Genomes Project. To date, this alteration has been detected with an allele frequency of approximately 0.006% (greater than 16000 alleles tested) in our clinical cohort (includes this individual). This amino acid position is highly conserved in available vertebrate species. In addition, this alteration is predicted to be benign and tolerated by PolyPhen and SIFT in silico analyses, respectively. Since supporting evidence is limited at this time, the clinical significance of p.F1265V remains unclear.